The following is an entry in ClinVar:

NM_001164508.2(NEB):c.12639+11C>T

Gene: NEB (nebulin; minus strand). Cytogenetic location: 2q23.3.
Variant type: single nucleotide variant.
Coding change: c.12639+11C>T on transcript NM_001164508.2 (MANE Select); 11 bases into the intron after coding-DNA position 12639, C replaced by T.
Molecular consequence: intron variant.
Genome position (GRCh38, 1-based): chr2:151,607,493, G>A on the plus strand (C>T on the coding strand, the complement: NEB is on the minus strand). VCF-style: chr2-151607493-G-A. GRCh37 (hg19) VCF-style: chr2-152464007-G-A.
Other names: c.11601+2316C>T (NM_004543.5); c.12639+11C>T (NM_001164507.2, NM_001271208.2).
Identifiers: ClinVar variation 391060 (VCV000391060.10), dbSNP rs1057523954, ClinGen allele CA16603878.
Genomic context (GRCh38, chr2:151,607,493, plus strand): 5'-CTATAACACTCTCCATGAGCAGACAGATATTGCCCATAAAGGCTTTTACACTTCATGTTC[G>A]TGCCACTTACATTGCTGATTTGCAAGGCATTGATGTGGGCCTGCAGCATCTCCGGAGTAT-3'

ClinVar aggregate classification (germline): Likely benign. Review status: criteria provided, multiple submitters, no conflicts (2 of 4 stars). 2 submissions from 2 submitters: Likely benign (2). Last evaluated 2026-01-11.

Conditions:
Nemaline myopathy 2 (NEM2). Also called: Nemaline myopathy 2, autosomal recessive. Identifiers: MedGen C1850569, MONDO:0009725, OMIM 256030.

Allele frequency attached by ClinVar (database versions not stated): gnomAD exomes 0.00002 and 0.00003; gnomAD 0.00003.
gnomAD v4.1: 17 of 602,680 alleles (0.0028%); highest among the groups gnomAD compares: African/African-American, 0.0065%; 1 homozygote.

Submissions (2):

Labcorp Genetics (formerly Invitae), Labcorp
Classification: Likely benign for Nemaline myopathy 2. Last evaluated: 2026-01-11. Review status: criteria provided, single submitter. Criteria: Invitae Variant Classification Sherloc (09022015). Collection method: clinical testing. Allele origin: germline.

GeneDx
Classification: Likely benign. Last evaluated: 2016-11-17. Review status: criteria provided, single submitter. Criteria: GeneDx Variant Classification (06012015). Collection method: clinical testing. Allele origin: germline. Affected: yes.
Comment: This variant is considered likely benign or benign based on one or more of the following criteria: it is a conservative change, it occurs at a poorly conserved position in the protein, it is predicted to be benign by multiple in silico algorithms, and/or has population frequency not consistent with disease.